The following is an entry in ClinVar:

ClinVar aggregate classification (germline): Uncertain significance (1 of 4 stars; one submission).

Allele frequency attached by ClinVar (database versions not stated): gnomAD exomes below 0.00001.
gnomAD v4.1: 3 of 1,613,680 alleles (0.00019%); highest among the groups gnomAD compares: Non-Finnish European, 0.00025%; no homozygotes.

Submission:

Labcorp Genetics (formerly Invitae), Labcorp
Classification: Uncertain significance. Last evaluated: 2022-10-17. Review status: criteria provided, single submitter. Criteria: Invitae Variant Classification Sherloc (09022015). Collection method: clinical testing. Allele origin: germline.
Comment: Advanced modeling of protein sequence and biophysical properties (such as structural, functional, and spatial information, amino acid conservation, physicochemical variation, residue mobility, and thermodynamic stability) performed at Invitae indicates that this missense variant is expected to disrupt C2CD3 protein function. In summary, the available evidence is currently insufficient to determine the role of this variant in disease. Therefore, it has been classified as a Variant of Uncertain Significance. This sequence change replaces isoleucine, which is neutral and non-polar, with methionine, which is neutral and non-polar, at codon 1112 of the C2CD3 protein (p.Ile1112Met). This variant is present in population databases (no rsID available, gnomAD 0.007%). This variant has not been reported in the literature in individuals affected with C2CD3-related conditions.

NM_001286577.2(C2CD3):c.3336C>G (p.Ile1112Met)

Gene: C2CD3 (C2 domain containing 3 centriole elongation regulator; minus strand). Cytogenetic location: 11q13.4.
Variant type: single nucleotide variant.
Coding change: c.3336C>G on transcript NM_001286577.2 (MANE Select); coding-DNA position 3336, C replaced by G.
Protein change: p.Ile1112Met; replaces isoleucine 1112 with methionine.
Molecular consequence: missense variant.
Genome position (GRCh38, 1-based): chr11:74,093,824, G>C on the plus strand (C>G on the coding strand, the complement: C2CD3 is on the minus strand). VCF-style: chr11-74093824-G-C. GRCh37 (hg19) VCF-style: chr11-73804869-G-C.
Other names: c.3336C>G, p.Ile1112Met (NM_015531.6); short protein forms I1112M.
Identifiers: ClinVar variation 1950966 (VCV001950966.5), dbSNP rs1190257016, ClinGen allele CA381826027.